The following is an entry in ClinVar:

ClinVar aggregate classification (germline): not provided (0 of 4 stars; one submission).

Allele frequency attached by ClinVar (database versions not stated): gnomAD 0.00001.
gnomAD v4.1: 1 of 151,416 alleles (0.00066%); highest among the groups gnomAD compares: East Asian, 0.019%; no homozygotes.

Submission:

Human Evolutionary Genetics, Institut Pasteur
No classification provided. Review status: no classification provided. Collection method: not provided. Allele origin: germline.
ClinVar note: Converted during submission from untested to not provided.

NC_000019.10:g.55999321T>A

Gene: NLRP5 (NLR family pyrin domain containing 5; plus strand). Cytogenetic location: 19q13.43.
Variant type: single nucleotide variant.
Genome position: GRCh38 VCF-style: chr19-55999321-T-A. GRCh37 (hg19) VCF-style: chr19-56510687-T-A.
Identifiers: ClinVar variation 102985 (VCV000102985.2), dbSNP rs199475757, ClinGen allele CA229951.
Genomic context (GRCh38, chr19:55,999,321, plus strand): 5'-CTGGAGTGCAATGCCACAATCTTGGCTCACTGCAACCTCTGCCTCCCAGGTTCAAGTGAT[T>A]CTTCTGCCTCAGCCTCCCGAGTAGCTGGGGTTACAGGTGCGCGCCACCATGCCTGGCTAA-3'